The following is an entry in ClinVar:

NM_001267550.2(TTN):c.98077_98080del (p.Val32693fs)

Genes: TTN (titin; minus strand), TTN-AS1 (TTN antisense RNA 1; plus strand). Cytogenetic location: 2q31.2.
Variant type: Deletion.
Coding change: c.98077_98080del on transcript NM_001267550.2 (MANE Select); coding-DNA positions 98077 to 98080, 4 bases deleted (GTCA; older notation c.98077_98080delGTCA).
Protein change: p.Val32693fs; shifts the reading frame from valine 32693.
Molecular consequence: frameshift variant.
Genome position (GRCh38, 1-based): chr2:178,540,086-178,540,089, TGAC deleted on the plus strand (GTCA on the coding strand, the reverse complement: TTN is on the minus strand); deleting any 4 consecutive bases within chr2:178,540,086-178,540,091 gives the same sequence; the c. name uses the placement nearest the transcript's 3' end. VCF-style (leftmost placement, unchanged base first): chr2-178540085-TTGAC-T. GRCh37 (hg19) VCF-style: chr2-179404812-TTGAC-T.
Other names: c.93154_93157del, p.Val31052fs (NM_001256850.1); c.70882_70885del, p.Val23628fs (NM_003319.4); c.90373_90376del, p.Val30125fs (NM_133378.4); c.71257_71260del, p.Val23753fs (NM_133432.3); c.71458_71461del, p.Val23820fs (NM_133437.4); c.98077_98080delGTCA (NM_001267550.2); short protein forms V23753fs, V23820fs, V23628fs, V32693fs, V30125fs, V31052fs.
Identifiers: ClinVar variation 2122048 (VCV002122048.5), dbSNP rs2468791058, ClinGen allele CA2580064757.

ClinVar aggregate classification (germline): Likely pathogenic. Review status: criteria provided, multiple submitters, no conflicts (2 of 4 stars). 2 submissions from 2 submitters: Likely pathogenic (2). Last evaluated 2024-07-01.

Conditions:
Autosomal recessive limb-girdle muscular dystrophy type 2J (LGMDR10). Also called: Limb-girdle muscular dystrophy, type 2J; MUSCULAR DYSTROPHY, LIMB-GIRDLE, AUTOSOMAL RECESSIVE 10. Identifiers: Orphanet 140922, MedGen C1837342, MONDO:0012127, OMIM 608807.
Dilated cardiomyopathy 1G (CMD1G). Identifiers: Orphanet 154, MedGen C1858763, MONDO:0011400, OMIM 604145.
TTN-related disorder. Also called: TTN-related condition; TTN-related disease; TTN-related disorders.

Submissions (2):

Labcorp Genetics (formerly Invitae), Labcorp
Classification: Likely pathogenic for Dilated cardiomyopathy 1G; Autosomal recessive limb-girdle muscular dystrophy type 2J. Last evaluated: 2024-07-01. Review status: criteria provided, single submitter. Criteria: Invitae Variant Classification Sherloc (09022015). Collection method: clinical testing. Allele origin: germline.
Comment: This sequence change creates a premature translational stop signal (p.Val32693Lysfs*23) in the TTN gene. While this is not anticipated to result in nonsense mediated decay, it is expected to create a truncated TTN protein. This variant is not present in population databases (gnomAD no frequency). This variant has not been reported in the literature in individuals affected with TTN-related conditions. ClinVar contains an entry for this variant (Variation ID: 2122048). This variant is located in the A band of TTN (PMID: 25589632). Truncating variants in this region are significantly overrepresented in patients affected with dilated cardiomyopathy (PMID: 25589632). Truncating variants in this region have also been reported in individuals affected with autosomal recessive centronuclear myopathy (PMID: 23975875). In summary, the currently available evidence indicates that the variant is pathogenic, but additional data are needed to prove that conclusively. Therefore, this variant has been classified as Likely Pathogenic.

PreventionGenetics, part of Exact Sciences
Classification: Likely pathogenic for TTN-related condition. Last evaluated: 2023-03-09. Review status: criteria provided, single submitter. Criteria: ACMG Guidelines, 2015. Collection method: clinical testing. Allele origin: germline.
Comment: The TTN c.98077_98080delGTCA variant is predicted to result in a frameshift and premature protein termination (p.Val32693Lysfs*23). To our knowledge, this variant has not been reported in the literature or in a large population database, indicating this variant is rare. This variant is located within the A-band region of the TTN protein. RNAseq studies from heart tissue indicate this exon is commonly included in TTN mRNA transcripts (PSI of 100%); however, this analysis was not performed in muscle tissue (Roberts A.M. et al. 2015. PMID: 25589632). TTN truncating variants are reported in 1-2% of presumably healthy individuals and occur more frequently in exons with low PSI values, indicating the c.98077_98080del variant is more likely to be disease causing (Roberts A.M. et al. 2015. PMID: 25589632; Herman D.S. et al. 2012. PMID: 22335739). In summary, this truncating variant in TTN is classified as likely pathogenic for both autosomal dominant and recessive TTN-related disorders.

Literature cited by the submitters: PubMed 25589632 (cited by Labcorp Genetics (formerly Invitae), Labcorp); PubMed 23975875 (cited by Labcorp Genetics (formerly Invitae), Labcorp).